The following is an entry in ClinVar:

ClinVar aggregate classification (germline): Benign (1 of 4 stars; one submission).

Allele frequency attached by ClinVar (database versions not stated): gnomAD 0.00018 and 0.00023; TOPMed 0.00023; 1000 Genomes Project 0.00060; 1000 Genomes Project 30x 0.00062.

Submission:

CeGaT Center for Human Genetics Tuebingen
Classification: Benign. Last evaluated: 2022-06-01. Review status: criteria provided, single submitter. Criteria: CeGaT Center For Human Genetics Tuebingen Variant Classification Criteria Version 2. Collection method: clinical testing. Allele origin: germline. Affected: yes. Observed: 1 variant allele.
Comment: MEF2C: BS1, BS2

NM_002397.5(MEF2C):c.*3046G>A

Genes: MEF2C (myocyte enhancer factor 2C; minus strand), MEF2C-AS2 (MEF2C antisense RNA 2; plus strand). Cytogenetic location: 5q14.3.
Variant type: single nucleotide variant.
Coding change: c.*3046G>A on transcript NM_002397.5 (MANE Select); 3046 bases downstream of the stop codon, G replaced by A.
Molecular consequence: 3 prime UTR variant.
Genome position (GRCh38, 1-based): chr5:88,719,558, C>T on the plus strand (G>A on the coding strand, the complement: MEF2C is on the minus strand). VCF-style: chr5-88719558-C-T. GRCh37 (hg19) VCF-style: chr5-88015375-C-T.
Other names: c.*3046G>A (NM_001131005.2, NM_001193347.1, NM_001193348.1 and 23 more transcripts); c.*3203G>A (NM_001364345.2, NM_001364346.2, NM_001364347.2 and 6 more transcripts).
Identifiers: ClinVar variation 354559 (VCV000354559.29), dbSNP rs563346285, ClinGen allele CA10622423.